The following is an entry in ClinVar:

NM_001367721.1(CASK):c.1790C>T (p.Thr597Ile)

Gene: CASK (calcium/calmodulin dependent serine protein kinase; minus strand). Cytogenetic location: Xp11.4.
Variant type: single nucleotide variant.
Coding change: c.1790C>T on transcript NM_001367721.1 (MANE Select); coding-DNA position 1790, C replaced by T.
Protein change: p.Thr597Ile; replaces threonine 597 with isoleucine.
Molecular consequence: missense variant. On other transcripts: intron variant (2).
Genome position (GRCh38, 1-based): chrX:41,557,048, G>A on the plus strand (C>T on the coding strand, the complement: CASK is on the minus strand). VCF-style: chrX-41557048-G-A. GRCh37 (hg19) VCF-style: chrX-41416301-G-A.
Other names: c.1772C>T, p.Thr591Ile (NM_001410745.1); c.1790C>T, p.Thr597Ile (NM_003688.4); c.1720-1413C>T (NM_001126055.3); c.1738-1413C>T (NM_001126054.3); short protein forms T591I, T597I.
Identifiers: ClinVar variation 2430687 (VCV002430687.5), dbSNP rs2065168093, ClinGen allele CA412994166.

ClinVar aggregate classification (germline): Uncertain significance. Review status: criteria provided, multiple submitters, no conflicts (2 of 4 stars). 2 submissions from 2 submitters: Uncertain significance (2). Last evaluated 2025-10-30.

Conditions:
Intellectual disability, CASK-related, X-linked. Identifiers: MedGen CN043158.

Allele frequency attached by ClinVar (database versions not stated): TOPMed below 0.00001; gnomAD 0.00001.
gnomAD v4.1: 1 of 1,207,368 alleles (0.000083%); highest among the groups gnomAD compares: Non-Finnish European, 0.00011%; no homozygotes.

Submissions (2):

GeneDx
Classification: Uncertain significance. Last evaluated: 2025-10-30. Review status: criteria provided, single submitter. Criteria: GeneDx Variant Classification Process June 2021. Collection method: clinical testing. Allele origin: germline.
Comment: Not observed at significant frequency in large population cohorts (gnomAD); In silico analysis indicates that this missense variant does not alter protein structure/function; Has not been previously published as pathogenic or benign to our knowledge

Labcorp Genetics (formerly Invitae), Labcorp
Classification: Uncertain significance for Intellectual disability, CASK-related, X-linked. Last evaluated: 2024-04-30. Review status: criteria provided, single submitter. Criteria: Invitae Variant Classification Sherloc (09022015). Collection method: clinical testing. Allele origin: germline.
Comment: This sequence change replaces threonine, which is neutral and polar, with isoleucine, which is neutral and non-polar, at codon 597 of the CASK protein (p.Thr597Ile). This variant is not present in population databases (gnomAD no frequency). This variant has not been reported in the literature in individuals affected with CASK-related conditions. ClinVar contains an entry for this variant (Variation ID: 2430687). Advanced modeling of protein sequence and biophysical properties (such as structural, functional, and spatial information, amino acid conservation, physicochemical variation, residue mobility, and thermodynamic stability) has been performed at Invitae for this missense variant, however the output from this modeling did not meet the statistical confidence thresholds required to predict the impact of this variant on CASK protein function. In summary, the available evidence is currently insufficient to determine the role of this variant in disease. Therefore, it has been classified as a Variant of Uncertain Significance.